The following is an entry in ClinVar:

ClinVar aggregate classification (germline): Benign (1 of 4 stars; one submission).

Allele frequency attached by ClinVar (database versions not stated): gnomAD exomes 0.00271; gnomAD 0.02810 and 0.03011; 1000 Genomes Project 0.02855; 1000 Genomes Project 30x 0.03076; TOPMed 0.03082.
gnomAD v4.1: 6,385 of 916,712 alleles (0.7%); highest among the groups gnomAD compares: African/African-American, 9.7%; 307 homozygotes.

Submission:

GeneDx
Classification: Benign. Last evaluated: 2018-06-14. Review status: criteria provided, single submitter. Criteria: GeneDx Variant Classification (06012015). Collection method: clinical testing. Allele origin: germline. Affected: yes.
Comment: This variant is considered likely benign or benign based on one or more of the following criteria: it is a conservative change, it occurs at a poorly conserved position in the protein, it is predicted to be benign by multiple in silico algorithms, and/or has population frequency not consistent with disease.

NM_004130.4(GYG1):c.482-96T>G

Gene: GYG1 (glycogenin 1; plus strand). Cytogenetic location: 3q24.
Variant type: single nucleotide variant.
Coding change: c.482-96T>G on transcript NM_004130.4 (MANE Select); 96 bases into the intron before coding-DNA position 482, T replaced by G.
Molecular consequence: intron variant.
Genome position (GRCh38, 1-based): chr3:149,009,180, T>G. VCF-style: chr3-149009180-T-G. GRCh37 (hg19) VCF-style: chr3-148726967-T-G.
Other names: c.482-96T>G (NM_001184720.2, NM_001184721.2).
Identifiers: ClinVar variation 675515 (VCV000675515.1), dbSNP rs58939996, ClinGen allele CA85504280.